The following is an entry in ClinVar:

ClinVar aggregate classification (germline): Pathogenic/Likely pathogenic. Review status: criteria provided, multiple submitters, no conflicts (2 of 4 stars). 7 submissions from 7 submitters: Pathogenic (2); Likely pathogenic (1). 4 of the submissions do not count toward it. Last evaluated 2024-07-31.

Conditions:
MMAA-related disorder. Also called: MMAA-related condition.
Methylmalonic acidemia (MMA). Also called: Isolated Methylmalonic Acidemia. Identifiers: MedGen C0268583, MeSH C537358, MONDO:0002012, HP:0002912.
Methylmalonic aciduria, cblA type (MACA). Also called: Methylmalonic aciduria, vitamin B12-responsive; Methylmalonic aciduria, vitamin b12-responsive, due to defect in synthesis of adenosylcobalamin, cbla complementation type; MMA cbl A type; Methylmalonic acidemia cblA type; Vitamin B12-responsive methylmalonic acidemia type cblA. Identifiers: Orphanet 28, Orphanet 79310, MedGen C1855109, MONDO:0009613, OMIM 251100.

Allele frequency attached by ClinVar (database versions not stated): gnomAD 0.00001; TOPMed 0.00001; gnomAD exomes 0.00009 and 0.00003; ExAC 0.00017.
gnomAD v4.1: 54 of 1,613,950 alleles (0.0033%); highest among the groups gnomAD compares: Non-Finnish European, 0.0032%; no homozygotes.

Submissions (7):

Blueprint Genetics
Classification: Likely pathogenic for MMAA-related disorders. Last evaluated: 2024-07-31. Review status: criteria provided, single submitter. Criteria: ACMG Guidelines, 2015. Collection method: clinical testing. Allele origin: germline. Affected: yes. Observed: 4 variant alleles.

Labcorp Genetics (formerly Invitae), Labcorp
Classification: Pathogenic for Methylmalonic aciduria, cblA type. Last evaluated: 2023-11-03. Review status: criteria provided, single submitter. Criteria: Invitae Variant Classification Sherloc (09022015). Collection method: clinical testing. Allele origin: germline.
Comment: This sequence change creates a premature translational stop signal (p.Gln95*) in the MMAA gene. It is expected to result in an absent or disrupted protein product. Loss-of-function variants in MMAA are known to be pathogenic (PMID: 15523652, 15781192). This variant is present in population databases (rs104893846, gnomAD 0.02%). This premature translational stop signal has been observed in individuals with methylmalonic aciduria due to cobalamin A deficiency (PMID: 15523652). ClinVar contains an entry for this variant (Variation ID: 3158). For these reasons, this variant has been classified as Pathogenic.

Women's Health and Genetics/Laboratory Corporation of America, LabCorp
Classification: Pathogenic for Methylmalonic acidemia. Last evaluated: 2023-02-10. Review status: criteria provided, single submitter. Criteria: LabCorp Variant Classification Summary - May 2015. Collection method: clinical testing. Allele origin: germline.
Comment: Variant summary: MMAA c.283C>T (p.Gln95X) results in a premature termination codon, predicted to cause a truncation of the encoded protein or absence of the protein due to nonsense mediated decay, which are commonly known mechanisms for disease. Truncations downstream of this position have been classified as pathogenic by our laboratory. The variant allele was found at a frequency of 9.2e-05 in 251242 control chromosomes. This frequency is not significantly higher than expected for a pathogenic variant in MMAA causing Methylmalonic Acidemia (9.2e-05 vs 0.0025), allowing no conclusion about variant significance. c.283C>T has been reported in the literature as a homozygous and compound heterozygous state in multiple individuals affected with Methylmalonic Acidemia (Lerner-Ellis_2004, Plessl_2017, Dobson_2002). These data indicate that the variant is very likely to be associated with disease. To our knowledge, no experimental evidence demonstrating an impact on protein function has been reported. Three clinical diagnostic laboratories have submitted clinical-significance assessments for this variant to ClinVar after 2014 without evidence for independent evaluation. All laboratories classified the variant as pathogenic. Based on the evidence outlined above, the variant was classified as pathogenic.

Natera, Inc.
Classification: Pathogenic for Methylmalonic aciduria cblA type. Last evaluated: 2021-05-04. Review status: no assertion criteria provided. Collection method: clinical testing. Allele origin: germline. Not counted in ClinVar's aggregate classification.

Counsyl
Classification: Pathogenic for Methylmalonic aciduria, cblA type. Last evaluated: 2017-08-15. Review status: no assertion criteria provided. Collection method: clinical testing. Allele origin: unknown. Not counted in ClinVar's aggregate classification.

OMIM
Classification: Pathogenic for METHYLMALONIC ACIDURIA, cblA TYPE. Last evaluated: 2002-11-26. Review status: no assertion criteria provided. Collection method: literature only. Allele origin: germline. Not counted in ClinVar's aggregate classification.

GeneReviews
No classification provided. Condition: Methylmalonic aciduria, cblA type. Review status: no classification provided. Collection method: literature only. Allele origin: germline. Affected: yes. Not counted in ClinVar's aggregate classification.

Literature cited by the submitters: PubMed 15523652 (cited by 3 submitters); PubMed 15781192 (cited by Labcorp Genetics (formerly Invitae), Labcorp); PubMed 28497574 (cited by Women's Health and Genetics/Laboratory Corporation of America, LabCorp); PubMed 33726816 (cited by Women's Health and Genetics/Laboratory Corporation of America, LabCorp); PubMed 12438653 (cited by Women's Health and Genetics/Laboratory Corporation of America, LabCorp and OMIM); NCBI Bookshelf NBK1231 (cited by GeneReviews).

NM_172250.3(MMAA):c.283C>T (p.Gln95Ter)

Gene: MMAA (metabolism of cobalamin associated A; plus strand). Cytogenetic location: 4q31.21.
Variant type: single nucleotide variant.
Coding change: c.283C>T on transcript NM_172250.3 (MANE Select); coding-DNA position 283, C replaced by T.
Protein change: p.Gln95Ter; replaces glutamine 95 with a stop codon.
Molecular consequence: nonsense.
Genome position (GRCh38, 1-based): chr4:145,639,422, C>T. VCF-style: chr4-145639422-C-T. GRCh37 (hg19) VCF-style: chr4-146560574-C-T.
Other names: short protein forms Q95*.
Identifiers: ClinVar variation 3158 (VCV000003158.28), dbSNP rs104893846, ClinGen allele CA340040.